The following is an entry in ClinVar:

NM_001134407.3(GRIN2A):c.3902A>G (p.Glu1301Gly)

Gene: GRIN2A (glutamate ionotropic receptor NMDA type subunit 2A; minus strand). Cytogenetic location: 16p13.2.
Variant type: single nucleotide variant.
Coding change: c.3902A>G on transcript NM_001134407.3 (MANE Select); coding-DNA position 3902, A replaced by G.
Protein change: p.Glu1301Gly; replaces glutamic acid 1301 with glycine.
Molecular consequence: missense variant. On other transcripts: intron variant (1).
Genome position (GRCh38, 1-based): chr16:9,763,642, T>C on the plus strand (A>G on the coding strand, the complement: GRIN2A is on the minus strand). VCF-style: chr16-9763642-T-C. GRCh37 (hg19) VCF-style: chr16-9857499-T-C.
Other names: c.3902A>G, p.Glu1301Gly (NM_000833.5); c.3772+130A>G (NM_001134408.2); short protein forms E1301G.
Identifiers: ClinVar variation 2725459 (VCV002725459.25), dbSNP rs2141128609, ClinGen allele CA394706594.

ClinVar aggregate classification (germline): Uncertain significance. Review status: criteria provided, multiple submitters, no conflicts (2 of 4 stars). 2 submissions from 2 submitters: Uncertain significance (2). Last evaluated 2024-02-01.

Conditions:
Landau-Kleffner syndrome (FESD). Also called: APHASIA, ACQUIRED, WITH EPILEPSY; EPILEPSY, FOCAL, WITH SPEECH DISORDER AND WITH OR WITHOUT MENTAL RETARDATION. Identifiers: Orphanet 1945, Orphanet 725, Orphanet 98818, MedGen C0282512, MONDO:0009509, OMIM 245570.

Allele frequency attached by ClinVar (database versions not stated): gnomAD exomes below 0.00001.

Submissions (2):

CeGaT Center for Human Genetics Tuebingen
Classification: Uncertain significance. Last evaluated: 2024-02-01. Review status: criteria provided, single submitter. Criteria: CeGaT Center For Human Genetics Tuebingen Variant Classification Criteria Version 2. Collection method: clinical testing. Allele origin: germline. Affected: yes. Observed: 1 variant allele.
Comment: GRIN2A: PM2, BP4

Labcorp Genetics (formerly Invitae), Labcorp
Classification: Uncertain significance for Landau-Kleffner syndrome. Last evaluated: 2023-07-31. Review status: criteria provided, single submitter. Criteria: Invitae Variant Classification Sherloc (09022015). Collection method: clinical testing. Allele origin: germline.
Comment: This sequence change replaces glutamic acid, which is acidic and polar, with glycine, which is neutral and non-polar, at codon 1301 of the GRIN2A protein (p.Glu1301Gly). This variant is not present in population databases (gnomAD no frequency). This variant has not been reported in the literature in individuals affected with GRIN2A-related conditions. Advanced modeling of protein sequence and biophysical properties (such as structural, functional, and spatial information, amino acid conservation, physicochemical variation, residue mobility, and thermodynamic stability) performed at Invitae indicates that this missense variant is not expected to disrupt GRIN2A protein function. In summary, the available evidence is currently insufficient to determine the role of this variant in disease. Therefore, it has been classified as a Variant of Uncertain Significance.